The following is an entry in ClinVar:

ClinVar aggregate classification (germline): Uncertain significance (1 of 4 stars; one submission).

Conditions:
Episodic ataxia type 1 (EA1). Also called: MYOKYMIA WITH PERIODIC ATAXIA; PAROXYSMAL ATAXIA WITH NEUROMYOTONIA, HEREDITARY; Episodic ataxia/myokymia syndrome; ATAXIA, EPISODIC, WITH MYOKYMIA. Identifiers: Orphanet 37612, Orphanet 972, MedGen C1719788, MONDO:0008047, OMIM 160120.

Allele frequency attached by ClinVar (database versions not stated): TOPMed below 0.00001.

Submission:

Labcorp Genetics (formerly Invitae), Labcorp
Classification: Uncertain significance for Episodic ataxia type 1. Last evaluated: 2022-12-27. Review status: criteria provided, single submitter. Criteria: Invitae Variant Classification Sherloc (09022015). Collection method: clinical testing. Allele origin: germline.
Comment: In summary, the available evidence is currently insufficient to determine the role of this variant in disease. Therefore, it has been classified as a Variant of Uncertain Significance. Algorithms developed to predict the effect of missense changes on protein structure and function (SIFT, PolyPhen-2, Align-GVGD) all suggest that this variant is likely to be tolerated. This variant has not been reported in the literature in individuals affected with KCNA1-related conditions. This variant is not present in population databases (gnomAD no frequency). This sequence change replaces alanine, which is neutral and non-polar, with proline, which is neutral and non-polar, at codon 12 of the KCNA1 protein (p.Ala12Pro).

NM_000217.3(KCNA1):c.34G>C (p.Ala12Pro)

Genes: KCNA1 (potassium voltage-gated channel subfamily A member 1; plus strand), LOC130007218 (ATAC-STARR-seq lymphoblastoid silent region 4155; plus strand). Cytogenetic location: 12p13.32.
Variant type: single nucleotide variant.
Coding change: c.34G>C on transcript NM_000217.3 (MANE Select); coding-DNA position 34, G replaced by C.
Protein change: p.Ala12Pro; replaces alanine 12 with proline.
Molecular consequence: missense variant.
Genome position (GRCh38, 1-based): chr12:4,911,412, G>C. VCF-style: chr12-4911412-G-C. GRCh37 (hg19) VCF-style: chr12-5020578-G-C.
Other names: short protein forms A12P.
Identifiers: ClinVar variation 3020459 (VCV003020459.3), dbSNP rs1947350470, ClinGen allele CA383453657.